The following is an entry in ClinVar:

NM_133259.4(LRPPRC):c.3156T>A (p.Tyr1052Ter)

Gene: LRPPRC (leucine rich pentatricopeptide repeat containing; minus strand). Cytogenetic location: 2p21.
Variant type: single nucleotide variant.
Coding change: c.3156T>A on transcript NM_133259.4 (MANE Select); coding-DNA position 3156, T replaced by A.
Protein change: p.Tyr1052Ter; replaces tyrosine 1052 with a stop codon.
Molecular consequence: nonsense.
Genome position (GRCh38, 1-based): chr2:43,912,551, A>T on the plus strand (T>A on the coding strand, the complement: LRPPRC is on the minus strand). VCF-style: chr2-43912551-A-T. GRCh37 (hg19) VCF-style: chr2-44139690-A-T.
Other names: short protein forms Y1052*.
Identifiers: ClinVar variation 1724220 (VCV001724220.2), dbSNP rs1671302218, ClinGen allele CA346667328.
Genomic context (GRCh38, chr2:43,912,551, plus strand): 5'-ATTGCTGTAGGTTTCAGCATTAAACACAATGTTTTGCTCTTTTGCATTCAGGAAAATATC[A>T]TATGCCCCTATGAGAGAAAACAGACAAAAAAAATGAGATGACATTATTCTGAAATGCCAA-3'

ClinVar aggregate classification (germline): Likely pathogenic (1 of 4 stars; one submission).

Conditions:
Congenital lactic acidosis, Saguenay-Lac-Saint-Jean type (MC4DN5). Also called: MITOCHONDRIAL COMPLEX IV DEFICIENCY, NUCLEAR TYPE 5; CYTOCHROME c OXIDASE DEFICIENCY, FRENCH CANADIAN TYPE; COX DEFICIENCY, FRENCH CANADIAN TYPE. Identifiers: Orphanet 70472, MedGen C1857355, MONDO:0009069, OMIM 220111.

Submission:

Myriad Genetics, Inc.
Classification: Likely pathogenic for Congenital lactic acidosis, Saguenay-Lac-Saint-Jean type. Last evaluated: 2022-02-02. Review status: criteria provided, single submitter. Criteria: Myriad Women's Health Autosomal Recessive and X-Linked Classification Criteria (2021). Collection method: clinical testing. Allele origin: unknown.
Comment: NM_133259.3(LRPPRC):c.3156T>A(Y1052*) is expected to be pathogenic in the context of Leigh syndrome, French-Canadian type. This variant is predicted to lead to an abnormal or absent protein product due to the creation of a premature termination codon in LRPPRC, a gene where loss-of-function variants are known to be pathogenic. Please note: this variant was assessed in the context of healthy population screening.